The following is an entry in ClinVar:

NM_001134363.3(RBM20):c.1641T>G (p.Asn547Lys)

Gene: RBM20 (RNA binding motif protein 20; plus strand). Cytogenetic location: 10q25.2.
Variant type: single nucleotide variant.
Coding change: c.1641T>G on transcript NM_001134363.3 (MANE Select); coding-DNA position 1641, T replaced by G.
Protein change: p.Asn547Lys; replaces asparagine 547 with lysine.
Molecular consequence: missense variant.
Genome position (GRCh38, 1-based): chr10:110,797,621, T>G. VCF-style: chr10-110797621-T-G. GRCh37 (hg19) VCF-style: chr10-112557379-T-G.
Other names: short protein forms N547K.
Identifiers: ClinVar variation 4086624 (VCV004086624.1).

ClinVar aggregate classification (germline): Uncertain significance (1 of 4 stars; one submission).

Submission:

GeneDx
Classification: Uncertain significance. Last evaluated: 2025-03-17. Review status: criteria provided, single submitter. Criteria: GeneDx Variant Classification Process June 2021. Collection method: clinical testing. Allele origin: germline. Affected: yes.
Comment: Not observed at significant frequency in large population cohorts (gnomAD); In silico analysis supports that this missense variant has a deleterious effect on protein structure/function; Has not been previously published as pathogenic or benign to our knowledge